The following is an entry in ClinVar:

NM_006907.4(PYCR1):c.67+4G>A

Gene: PYCR1 (pyrroline-5-carboxylate reductase 1; minus strand). Cytogenetic location: 17q25.3.
Variant type: single nucleotide variant.
Coding change: c.67+4G>A on transcript NM_006907.4 (MANE Select); 4 bases into the intron after coding-DNA position 67, G replaced by A.
Molecular consequence: intron variant.
Genome position (GRCh38, 1-based): chr17:81,936,744, C>T on the plus strand (G>A on the coding strand, the complement: PYCR1 is on the minus strand). VCF-style: chr17-81936744-C-T. GRCh37 (hg19) VCF-style: chr17-79894620-C-T.
Other names: c.67+4G>A (NM_001282279.2, NM_001330523.2, NM_001282280.2 and 1 more transcripts); c.148+4G>A (NM_001282281.2).
Identifiers: ClinVar variation 517939 (VCV000517939.16), dbSNP rs369725098, ClinGen allele CA8845605.

ClinVar aggregate classification (germline): Likely benign. Review status: criteria provided, multiple submitters, no conflicts (2 of 4 stars). 4 submissions from 4 submitters: Likely benign (3). 1 of the submissions does not count toward it. Last evaluated 2026-01-21.

Conditions:
PYCR1-related disorder. Also called: PYCR1-related condition.

Allele frequency attached by ClinVar (database versions not stated): gnomAD exomes 0.00014; ExAC 0.00035; gnomAD 0.00055 and 0.00061; ESP Exome Variant Server 0.00062; TOPMed 0.00080.

Submissions (4):

Labcorp Genetics (formerly Invitae), Labcorp
Classification: Likely benign. Last evaluated: 2026-01-21. Review status: criteria provided, single submitter. Criteria: Invitae Variant Classification Sherloc (09022015). Collection method: clinical testing. Allele origin: germline.

Blueprint Genetics
Classification: Likely benign. Last evaluated: 2024-11-14. Review status: criteria provided, single submitter. Criteria: ACMG Guidelines, 2015. Collection method: clinical testing. Allele origin: germline.

GeneDx
Classification: Likely benign. Last evaluated: 2020-10-22. Review status: criteria provided, single submitter. Criteria: GeneDx Variant Classification Process June 2021. Collection method: clinical testing. Allele origin: germline. Affected: yes.

PreventionGenetics, part of Exact Sciences
Classification: Likely benign for PYCR1-related condition. Last evaluated: 2019-12-12. Review status: no assertion criteria provided. Collection method: clinical testing. Allele origin: germline. Not counted in ClinVar's aggregate classification.
Comment: This variant is classified as likely benign based on ACMG/AMP sequence variant interpretation guidelines (Richards et al. 2015 PMID: 25741868, with internal and published modifications).